The following is an entry in ClinVar:

ClinVar aggregate classification (germline): Benign/Likely benign. Review status: criteria provided, multiple submitters, no conflicts (2 of 4 stars). 8 submissions from 8 submitters: Benign (2); Likely benign (4). 2 of the submissions do not count toward it. Last evaluated 2026-02-03.

Conditions:
Cardiovascular phenotype. Identifiers: MedGen CN230736.
EMD-related disorder. Also called: EMD-related condition.
Emery-Dreifuss muscular dystrophy (EDMD). Also called: Scapuloperoneal syndrome, X-linked (formerly); Humeroperoneal neuromuscular disease, (formerly). Identifiers: Orphanet 261, MedGen C0410189, MONDO:0016830.
X-linked Emery-Dreifuss muscular dystrophy. Also called: Muscular dystrophy, tardive Emery-Dreifuss type, with contractures. Identifiers: Orphanet 261, Orphanet 98863, MedGen C0751337, MONDO:0010680.

Allele frequency attached by ClinVar (database versions not stated): 1000 Genomes Project 0.00053; 1000 Genomes Project 30x 0.00062; gnomAD 0.00078; TOPMed 0.00105; ESP Exome Variant Server 0.00142.

Submissions (8):

Labcorp Genetics (formerly Invitae), Labcorp
Classification: Likely benign for X-linked Emery-Dreifuss muscular dystrophy. Last evaluated: 2026-02-03. Review status: criteria provided, single submitter. Criteria: Invitae Variant Classification Sherloc (09022015). Collection method: clinical testing. Allele origin: germline.

Blueprint Genetics
Classification: Likely benign. Last evaluated: 2024-09-13. Review status: criteria provided, single submitter. Criteria: ACMG Guidelines, 2015. Collection method: clinical testing. Allele origin: germline.

GeneDx
Classification: Benign. Last evaluated: 2020-03-26. Review status: criteria provided, single submitter. Criteria: GeneDx Variant Classification Process June 2021. Collection method: clinical testing. Allele origin: germline. Affected: yes.

Ambry Genetics
Classification: Benign for Cardiovascular phenotype. Last evaluated: 2018-12-13. Review status: criteria provided, single submitter. Criteria: Ambry Variant Classification Scheme 2023. Collection method: clinical testing. Allele origin: germline.

Women's Health and Genetics/Laboratory Corporation of America, LabCorp
Classification: Likely benign. Last evaluated: 2018-11-19. Review status: criteria provided, single submitter. Criteria: LabCorp Variant Classification Summary - May 2015. Collection method: clinical testing. Allele origin: germline.
Comment: Variant summary: EMD c.466G>A (p.Gly156Ser) results in a non-conservative amino acid change in the encoded protein sequence. Four of five in-silico tools predict a benign effect of the variant on protein function. The variant allele was found at a frequency of 0.00032 in 199875 control chromosomes, including 20 hemizygotes, in the gnomAD database. The variant was predominantly observed within the African subpopulation, at a frequency of 0.0032 (including 18 hemizygotes), and although this frequency is somewhat lower than expected for a pathogenic variant in EMD causing Cardiomyopathy (0.0032 vs 0.0071), the large number of hemizygotes among the controls suggests that the variant still might be a benign polymorphism. To our knowledge, no occurrence of c.466G>A in individuals affected with Cardiomyopathy and no experimental evidence demonstrating its impact on protein function have been reported. Three clinical diagnostic laboratories have submitted clinical-significance assessments for this variant to ClinVar after 2014 without evidence for independent evaluation. All laboratories classified the variant as likely benign. Based on the evidence outlined above, the variant was classified as likely benign.

Eurofins Ntd Llc (ga)
Classification: Likely benign. Last evaluated: 2015-12-08. Review status: criteria provided, single submitter. Criteria: EGL Classification Definitions 2015. Collection method: clinical testing. Allele origin: germline. Observed: 1 variant allele, 1 hemizygote.

PreventionGenetics, part of Exact Sciences
Classification: Likely benign for EMD-related condition. Last evaluated: 2024-03-28. Review status: no assertion criteria provided. Collection method: clinical testing. Allele origin: germline. Not counted in ClinVar's aggregate classification.
Comment: This variant is classified as likely benign based on ACMG/AMP sequence variant interpretation guidelines (Richards et al. 2015 PMID: 25741868, with internal and published modifications).

Natera, Inc.
Classification: Benign for Emery-Dreifuss muscular dystrophy. Last evaluated: 2019-12-13. Review status: no assertion criteria provided. Collection method: clinical testing. Allele origin: germline. Not counted in ClinVar's aggregate classification.

NM_000117.3(EMD):c.466G>A (p.Gly156Ser)

Gene: EMD (emerin; plus strand). Cytogenetic location: Xq28.
Variant type: single nucleotide variant.
Coding change: c.466G>A on transcript NM_000117.3 (MANE Select); coding-DNA position 466, G replaced by A.
Protein change: p.Gly156Ser; replaces glycine 156 with serine.
Molecular consequence: missense variant.
Genome position (GRCh38, 1-based): chrX:154,380,898, G>A. VCF-style: chrX-154380898-G-A. GRCh37 (hg19) VCF-style: chrX-153609258-G-A.
Other names: p.G156S:GGC>AGC; short protein forms G156S.
Identifiers: ClinVar variation 201771 (VCV000201771.22), dbSNP rs144594695, ClinGen allele CA335145.